The following is an entry in ClinVar:

NM_018191.4(RCBTB1):c.601G>C (p.Glu201Gln)

Gene: RCBTB1 (RCC1 and BTB domain containing protein 1; minus strand). Cytogenetic location: 13q14.2.
Variant type: single nucleotide variant.
Coding change: c.601G>C on transcript NM_018191.4 (MANE Select); coding-DNA position 601, G replaced by C.
Protein change: p.Glu201Gln; replaces glutamic acid 201 with glutamine.
Molecular consequence: missense variant. On other transcripts: non-coding transcript variant (2).
Genome position (GRCh38, 1-based): chr13:49,555,517, C>G on the plus strand (G>C on the coding strand, the complement: RCBTB1 is on the minus strand). VCF-style: chr13-49555517-C-G. GRCh37 (hg19) VCF-style: chr13-50129653-C-G.
Other names: c.601G>C (NM_018191.3); c.601G>C, p.Glu201Gln (NM_001352500.2, NM_001352501.2, NM_001352502.2 and 3 more transcripts); c.22G>C, p.Glu8Gln (NM_001352506.2); short protein forms E8Q, E201Q.
Identifiers: ClinVar variation 1471169 (VCV001471169.10), dbSNP rs770474031, ClinGen allele CA388191139.

ClinVar aggregate classification (germline): Uncertain significance. Review status: criteria provided, multiple submitters, no conflicts (2 of 4 stars). 3 submissions from 3 submitters: Uncertain significance (3). Last evaluated 2024-08-14.

Allele frequency attached by ClinVar (database versions not stated): gnomAD 0.00001.
gnomAD v4.1: 15 of 1,612,956 alleles (0.00093%); highest among the groups gnomAD compares: Non-Finnish European, 0.0012%; no homozygotes.

Submissions (3):

Ambry Genetics
Classification: Uncertain significance. Last evaluated: 2024-08-14. Review status: criteria provided, single submitter. Criteria: Ambry Variant Classification Scheme 2023. Collection method: clinical testing. Allele origin: germline.

Blueprint Genetics
Classification: Uncertain significance. Last evaluated: 2022-11-22. Review status: criteria provided, single submitter. Criteria: ACMG Guidelines, 2015. Collection method: clinical testing. Allele origin: germline.

Labcorp Genetics (formerly Invitae), Labcorp
Classification: Uncertain significance. Last evaluated: 2022-06-20. Review status: criteria provided, single submitter. Criteria: Invitae Variant Classification Sherloc (09022015). Collection method: clinical testing. Allele origin: germline.
Comment: This sequence change replaces glutamic acid, which is acidic and polar, with glutamine, which is neutral and polar, at codon 201 of the RCBTB1 protein (p.Glu201Gln). This variant is present in population databases (no rsID available, gnomAD 0.003%). This variant has not been reported in the literature in individuals affected with RCBTB1-related conditions. Algorithms developed to predict the effect of missense changes on protein structure and function are either unavailable or do not agree on the potential impact of this missense change (SIFT: "Deleterious"; PolyPhen-2: "Probably Damaging"; Align-GVGD: "Class C0"). In summary, the available evidence is currently insufficient to determine the role of this variant in disease. Therefore, it has been classified as a Variant of Uncertain Significance.